The following is an entry in ClinVar:

ClinVar aggregate classification (germline): Uncertain significance. Review status: criteria provided, single submitter (1 of 4 stars). 2 submissions from 2 submitters: Uncertain significance (1). 1 of the submissions does not count toward it. Last evaluated 2022-08-16.

Conditions:
Becker muscular dystrophy, Cardiomyopathy, Duchenne muscular dystrophy, Dystrophin deficiency.
Duchenne muscular dystrophy (DMD). Also called: MUSCULAR DYSTROPHY, PSEUDOHYPERTROPHIC PROGRESSIVE, DUCHENNE TYPE; Duchenne Muscular Dystrophy (DMD). Identifiers: Orphanet 98896, MedGen C0013264, MONDO:0010679, OMIM 310200.

Submissions (2):

Labcorp Genetics (formerly Invitae), Labcorp
Classification: Uncertain significance for Duchenne muscular dystrophy. Last evaluated: 2022-08-16. Review status: criteria provided, single submitter. Criteria: Invitae Variant Classification Sherloc (09022015). Collection method: clinical testing. Allele origin: germline.
Comment: In summary, the available evidence is currently insufficient to determine the role of this variant in disease. Therefore, it has been classified as a Variant of Uncertain Significance. Algorithms developed to predict the effect of missense changes on protein structure and function are either unavailable or do not agree on the potential impact of this missense change (SIFT: "Deleterious"; PolyPhen-2: "Possibly Damaging"; Align-GVGD: "Class C0"). This variant has not been reported in the literature in individuals affected with DMD-related conditions. This variant is not present in population databases (gnomAD no frequency). This sequence change replaces serine, which is neutral and polar, with cysteine, which is neutral and slightly polar, at codon 1665 of the DMD protein (p.Ser1665Cys).

Natera, Inc.
Classification: Uncertain significance for Becker muscular dystrophy, Cardiomyopathy, Duchenne muscular dystrophy, Dystrophin deficiency. Last evaluated: 2025-01-06. Review status: no assertion criteria provided. Collection method: clinical testing. Allele origin: germline. Not counted in ClinVar's aggregate classification.

NM_004006.3(DMD):c.4994C>G (p.Ser1665Cys)

Gene: DMD (dystrophin; minus strand). Cytogenetic location: Xp21.1.
Variant type: single nucleotide variant.
Coding change: c.4994C>G on transcript NM_004006.3 (MANE Select); coding-DNA position 4994, C replaced by G.
Protein change: p.Ser1665Cys; replaces serine 1665 with cysteine.
Molecular consequence: missense variant.
Genome position (GRCh38, 1-based): chrX:32,365,051, G>C on the plus strand (C>G on the coding strand, the complement: DMD is on the minus strand). VCF-style: chrX-32365051-G-C. GRCh37 (hg19) VCF-style: chrX-32383168-G-C.
Other names: c.4970C>G, p.Ser1657Cys (NM_000109.4); c.4982C>G, p.Ser1661Cys (NM_004009.3); c.4625C>G, p.Ser1542Cys (NM_004010.3); c.971C>G, p.Ser324Cys (NM_004011.4); c.962C>G, p.Ser321Cys (NM_004012.4); short protein forms S1665C, S321C, S324C, S1542C, S1657C, S1661C.
Identifiers: ClinVar variation 2047955 (VCV002047955.5), dbSNP rs2522567416, ClinGen allele CA412671839.